The following is an entry in ClinVar:

ClinVar aggregate classification (germline): Conflicting classifications of pathogenicity. Review status: criteria provided, conflicting classifications (1 of 4 stars). 4 submissions from 4 submitters: Uncertain significance (3); Benign (1). Last evaluated 2026-09-11.

Conditions:
GDF6-related disorder. Also called: GDF6-related condition.
Inborn genetic diseases. Identifiers: MedGen C0950123, MeSH D030342.
Leber congenital amaurosis 17 (LCA17). Identifiers: Orphanet 65, MedGen C3715164, MONDO:0014145, OMIM 615360.
Microphthalmia, isolated, with coloboma 6 (MCOPCB6). Also called: Microphthalmia with coloboma 6, digenic; Microphthalmia with coloboma 6; MICROPHTHALMIA/COLOBOMA 6. Identifiers: Orphanet 98938, MedGen C3150968, MONDO:0013376, OMIM 613703.
Isolated microphthalmia 4. Identifiers: Orphanet 2542, MedGen C2751307, MONDO:0013130, OMIM 613094.
Klippel-Feil syndrome 1, autosomal dominant (KFS1). Also called: CERVICAL VERTEBRAL FUSION, AUTOSOMAL DOMINANT. Identifiers: Orphanet 2345, MedGen C1861689, MONDO:0007306, OMIM 118100.

Allele frequency attached by ClinVar (database versions not stated): TOPMed 0.00004; gnomAD 0.00006; ESP Exome Variant Server 0.00008; gnomAD exomes 0.00010; ExAC 0.00011; 1000 Genomes Project 30x 0.00016; 1000 Genomes Project 0.00020.
gnomAD v4.1: 118 of 1,614,206 alleles (0.0073%); highest among the groups gnomAD compares: South Asian, 0.04%; no homozygotes.

Submissions (4):

PreventionGenetics, part of Exact Sciences
Classification: Uncertain significance for GDF6-related condition. Last evaluated: 2026-09-11. Review status: criteria provided, single submitter. Criteria: ACMG Guidelines, 2015. Collection method: clinical testing. Allele origin: germline.
Comment: The GDF6 c.322G>A variant is predicted to result in the amino acid substitution p.Ala108Thr. To our knowledge, this variant has not been reported in the literature. This variant is reported in 0.020% of alleles in individuals of South Asian descent in gnomAD. At this time, the clinical significance of this variant is uncertain due to the absence of conclusive functional and genetic evidence.

Labcorp Genetics (formerly Invitae), Labcorp
Classification: Benign for Isolated microphthalmia 4; Leber congenital amaurosis 17; Klippel-Feil syndrome 1, autosomal dominant; Microphthalmia, isolated, with coloboma 6. Last evaluated: 2025-06-12. Review status: criteria provided, single submitter. Criteria: Invitae Variant Classification Sherloc (09022015). Collection method: clinical testing. Allele origin: germline.

Ambry Genetics
Classification: Uncertain significance for Inborn genetic diseases. Last evaluated: 2023-11-14. Review status: criteria provided, single submitter. Criteria: Ambry Variant Classification Scheme 2023. Collection method: clinical testing. Allele origin: germline.

Breakthrough Genomics
Classification: Uncertain significance. Review status: criteria provided, single submitter. Criteria: ACMG Guidelines, 2015. Collection method: not provided. Allele origin: germline. Inheritance: Autosomal recessive inheritance. Affected: yes.

NM_001001557.4(GDF6):c.322G>A (p.Ala108Thr)

Gene: GDF6 (growth differentiation factor 6; minus strand). Cytogenetic location: 8q22.1.
Variant type: single nucleotide variant.
Coding change: c.322G>A on transcript NM_001001557.4 (MANE Select); coding-DNA position 322, G replaced by A.
Protein change: p.Ala108Thr; replaces alanine 108 with threonine.
Molecular consequence: missense variant.
Genome position (GRCh38, 1-based): chr8:96,160,371, C>T on the plus strand (G>A on the coding strand, the complement: GDF6 is on the minus strand). VCF-style: chr8-96160371-C-T. GRCh37 (hg19) VCF-style: chr8-97172599-C-T.
Other names: c.322G>A (NM_001001557.3); short protein forms A108T.
Identifiers: ClinVar variation 863448 (VCV000863448.11), dbSNP rs368498747, ClinGen allele CA4815501.